The following is an entry in ClinVar:

ClinVar aggregate classification (germline): Conflicting classifications of pathogenicity. Review status: criteria provided, conflicting classifications (1 of 4 stars). 2 submissions from 2 submitters: Likely pathogenic (1); Uncertain significance (1). Last evaluated 2024-02-22.

Submissions (2):

Blueprint Genetics
Classification: Uncertain significance. Last evaluated: 2024-02-22. Review status: criteria provided, single submitter. Criteria: ACMG Guidelines, 2015. Collection method: clinical testing. Allele origin: germline.

GeneDx
Classification: Likely pathogenic. Last evaluated: 2023-10-18. Review status: criteria provided, single submitter. Criteria: GeneDx Variant Classification Process June 2021. Collection method: clinical testing. Allele origin: germline. Affected: yes.
Comment: Reported in a patient with cone rod dystrophy in the published literature (Daich Varela et al., 223); Not observed at significant frequency in large population cohorts (gnomAD); Published functional studies demonstrate a damaging effect as this variant leads to exon skipping (Daich Varela et al., 2023); In silico analysis supports a deleterious effect on splicing; This variant is associated with the following publications: (PMID: 36084042)

NM_014714.4(IFT140):c.2577+4_2577+5del

Gene: IFT140 (intraflagellar transport 140; minus strand). Cytogenetic location: 16p13.3.
Variant type: Deletion.
Coding change: c.2577+4_2577+5del on transcript NM_014714.4 (MANE Select); bases 4 to 5 of the intron after coding-DNA position 2577, 2 bases deleted (AG; older notation c.2577+4_2577+5delAG).
Molecular consequence: intron variant.
Genome position (GRCh38, 1-based): chr16:1,526,614-1,526,615, CT deleted on the plus strand (AG on the coding strand, the reverse complement: IFT140 is on the minus strand); deleting any 2 consecutive bases within chr16:1,526,614-1,526,616 gives the same sequence; the c. name uses the placement nearest the transcript's 3' end. VCF-style (leftmost placement, unchanged base first): chr16-1526613-CCT-C. GRCh37 (hg19) VCF-style: chr16-1576614-CCT-C.
Identifiers: ClinVar variation 1723687 (VCV001723687.4), dbSNP rs773555716, ClinGen allele CA7813580.